The following is an entry in ClinVar:

ClinVar aggregate classification (germline): Uncertain significance (1 of 4 stars; one submission).

Conditions:
Primary familial hypertrophic cardiomyopathy (HCM). Identifiers: Orphanet 99739, MedGen C0949658, MeSH D024741, MONDO:0024573. Inheritance: Various modes of inheritance.
Dilated cardiomyopathy 1AA (CMD1AA). Also called: Cardiomyopathy, dilated, 1AA, with or without LVNC; CARDIOMYOPATHY, DILATED, 1AA, WITH OR WITHOUT LEFT VENTRICULAR NONCOMPACTION; CARDIOMYOPATHY, FAMILIAL HYPERTROPHIC, 23, WITH OR WITHOUT LEFT VENTRICULAR NONCOMPACTION. Identifiers: Orphanet 154, MedGen C2677338, MONDO:0012808, OMIM 612158.

Allele frequency attached by ClinVar (database versions not stated): gnomAD exomes below 0.00001.
gnomAD v4.1: 1 of 1,595,494 alleles (0.000063%); highest among the groups gnomAD compares: African/African-American, 0.0013%; no homozygotes.

Submission:

Labcorp Genetics (formerly Invitae), Labcorp
Classification: Uncertain significance for Primary familial hypertrophic cardiomyopathy; Dilated cardiomyopathy 1AA. Last evaluated: 2023-12-19. Review status: criteria provided, single submitter. Criteria: Invitae Variant Classification Sherloc (09022015). Collection method: clinical testing. Allele origin: germline.
Comment: This sequence change replaces arginine, which is basic and polar, with lysine, which is basic and polar, at codon 288 of the ACTN2 protein (p.Arg288Lys). This variant is not present in population databases (gnomAD no frequency). This variant has not been reported in the literature in individuals affected with ACTN2-related conditions. ClinVar contains an entry for this variant (Variation ID: 2063994). Advanced modeling of protein sequence and biophysical properties (such as structural, functional, and spatial information, amino acid conservation, physicochemical variation, residue mobility, and thermodynamic stability) performed at Invitae indicates that this missense variant is not expected to disrupt ACTN2 protein function with a negative predictive value of 95%. In summary, the available evidence is currently insufficient to determine the role of this variant in disease. Therefore, it has been classified as a Variant of Uncertain Significance.

NM_001103.4(ACTN2):c.863G>A (p.Arg288Lys)

Gene: ACTN2 (actinin alpha 2; plus strand). Cytogenetic location: 1q43.
Variant type: single nucleotide variant.
Coding change: c.863G>A on transcript NM_001103.4 (MANE Select); coding-DNA position 863, G replaced by A.
Protein change: p.Arg288Lys; replaces arginine 288 with lysine.
Molecular consequence: missense variant.
Genome position (GRCh38, 1-based): chr1:236,737,201, G>A. VCF-style: chr1-236737201-G-A. GRCh37 (hg19) VCF-style: chr1-236900501-G-A.
Other names: c.863G>A, p.Arg288Lys (NM_001278343.2); c.239G>A, p.Arg80Lys (NM_001278344.2); c.113G>A, p.Arg38Lys (NM_001412150.1); short protein forms R288K, R80K, R38K.
Identifiers: ClinVar variation 2063994 (VCV002063994.4), dbSNP rs2527592124, ClinGen allele CA345379118.
Genomic context (GRCh38, chr1:236,737,201, plus strand): 5'-GGATATGTAAGGTTCTTGCTGTGAATCAAGAGAATGAGAGGCTGATGGAAGAATATGAGA[G>A]GCTAGCGAGTGAGGTAAAGGAAACTGGTGACCTGCAGTTCTGTCCATCCTCACGCAGGGG-3'
Protein context (NP_001094.1, residues 278-298): ENERLMEEYE[Arg288Lys]LASELLEWIR